The following is an entry in ClinVar:

ClinVar aggregate classification (germline): Uncertain significance. Review status: criteria provided, multiple submitters, no conflicts (2 of 4 stars). 4 submissions from 4 submitters: Uncertain significance (4). Last evaluated 2023-11-01.

Conditions:
Asphyxiating thoracic dystrophy 3. Also called: SHORT-RIB THORACIC DYSPLASIA 3 WITH OR WITHOUT POLYDACTYLY; POLYDACTYLY WITH NEONATAL CHONDRODYSTROPHY, TYPE I; SHORT-RIB THORACIC DYSPLASIA 3/6 WITH POLYDACTYLY, DIGENIC; Short rib polydactyly syndrome 2B; Saldino-Noonan Syndrome. Identifiers: Orphanet 474, Orphanet 93269, Orphanet 93270, Orphanet 93271, MedGen C0036069, MONDO:0013127, OMIM 613091.
Jeune thoracic dystrophy. Also called: Short-rib thoracic dysplasia; Infantile thoracic dystrophy; Thoracic pelvic phalangeal dystrophy; Jeune's syndrome; Chondroectodermal dysplasia-like syndrome; Jeune syndrome. Identifiers: Orphanet 474, MedGen C0265275, MONDO:0018770.

Allele frequency attached by ClinVar (database versions not stated): gnomAD exomes 0.00003; gnomAD 0.00004 and 0.00005; TOPMed 0.00006; ExAC 0.00009.
gnomAD v4.1: 49 of 1,583,296 alleles (0.0031%); highest among the groups gnomAD compares: Admixed American, 0.014%; no homozygotes.

Submissions (4):

CeGaT Center for Human Genetics Tuebingen
Classification: Uncertain significance. Last evaluated: 2023-11-01. Review status: criteria provided, single submitter. Criteria: CeGaT Center For Human Genetics Tuebingen Variant Classification Criteria Version 2. Collection method: clinical testing. Allele origin: germline. Affected: yes. Observed: 1 variant allele.

Labcorp Genetics (formerly Invitae), Labcorp
Classification: Uncertain significance for Jeune thoracic dystrophy. Last evaluated: 2021-09-01. Review status: criteria provided, single submitter. Criteria: Invitae Variant Classification Sherloc (09022015). Collection method: clinical testing. Allele origin: germline.
Comment: This sequence change replaces alanine with valine at codon 2701 of the DYNC2H1 protein (p.Ala2701Val). The alanine residue is highly conserved and there is a small physicochemical difference between alanine and valine. This variant is present in population databases (rs765998830, ExAC 0.05%). This variant has not been reported in the literature in individuals affected with DYNC2H1-related conditions. ClinVar contains an entry for this variant (Variation ID: 302066). Algorithms developed to predict the effect of missense changes on protein structure and function are either unavailable or do not agree on the potential impact of this missense change (SIFT: "Deleterious"; PolyPhen-2: "Possibly Damaging"; Align-GVGD: "Class C0"). In summary, the available evidence is currently insufficient to determine the role of this variant in disease. Therefore, it has been classified as a Variant of Uncertain Significance.

Illumina Laboratory Services, Illumina
Classification: Uncertain significance for Asphyxiating thoracic dystrophy 3. Last evaluated: 2018-01-13. Review status: criteria provided, single submitter. Criteria: ICSL Variant Classification Criteria 13 December 2019. Collection method: clinical testing. Allele origin: germline.

ARUP Laboratories, Molecular Genetics and Genomics, ARUP Laboratories
Classification: Uncertain significance. Last evaluated: 2017-05-01. Review status: criteria provided, single submitter. Criteria: ARUP Molecular Germline Variant Investigation Process. Collection method: clinical testing. Allele origin: germline.
Comment: The p.Ala2701Val variant has not been reported in the medical literature, gene specific variation databases, nor has it been previously identified by our laboratory. However, it has been reported to ClinVar (Variation ID 302066). It is listed in the Genome Aggregation Database (gnomAD) with overall allele frequency of 0.0065 percent (identified on 2 out of 30,970 chromosomes). The alanine at position 2701 is moderately conserved (considering 11 species) and computational analyses of the effects of the p.Ala2701Val variant on protein structure and function predict a mixed effect (SIFT: tolerated, MutationTaster: disease causing, PolyPhen-2: possibly damaging). Altogether, there is not enough evidence to classify the p.Ala2701Val variant with certainty.

NM_001377.3(DYNC2H1):c.8102C>T (p.Ala2701Val)

Gene: DYNC2H1 (dynein cytoplasmic 2 heavy chain 1; plus strand). Cytogenetic location: 11q22.3.
Variant type: single nucleotide variant.
Coding change: c.8102C>T on transcript NM_001377.3 (MANE Select); coding-DNA position 8102, C replaced by T.
Protein change: p.Ala2701Val; replaces alanine 2701 with valine.
Molecular consequence: missense variant.
Genome position (GRCh38, 1-based): chr11:103,200,059, C>T. VCF-style: chr11-103200059-C-T. GRCh37 (hg19) VCF-style: chr11-103070788-C-T.
Other names: c.8102C>T, p.Ala2701Val (NM_001080463.2); short protein forms A2701V.
Identifiers: ClinVar variation 302066 (VCV000302066.39), dbSNP rs765998830, ClinGen allele CA6254389.